The following is an entry in ClinVar:

ClinVar aggregate classification (germline): Uncertain significance (1 of 4 stars; one submission).

Allele frequency attached by ClinVar (database versions not stated): gnomAD exomes below 0.00001.
gnomAD v4.1: 1 of 1,614,018 alleles (0.000062%); highest among the groups gnomAD compares: African/African-American, 0.0013%; no homozygotes.

Submission:

GeneDx
Classification: Uncertain significance. Last evaluated: 2022-06-07. Review status: criteria provided, single submitter. Criteria: GeneDx Variant Classification Process June 2021. Collection method: clinical testing. Allele origin: germline. Affected: yes.
Comment: Not observed at significant frequency in large population cohorts (gnomAD); In silico analysis supports that this missense variant does not alter protein structure/function; Has not been previously published as pathogenic or benign to our knowledge

NM_000810.4(GABRA5):c.117A>T (p.Lys39Asn)

Gene: GABRA5 (gamma-aminobutyric acid type A receptor subunit alpha5; plus strand). Cytogenetic location: 15q12.
Variant type: single nucleotide variant.
Coding change: c.117A>T on transcript NM_000810.4 (MANE Select); coding-DNA position 117, A replaced by T.
Protein change: p.Lys39Asn; replaces lysine 39 with asparagine.
Molecular consequence: missense variant.
Genome position (GRCh38, 1-based): chr15:26,880,876, A>T. VCF-style: chr15-26880876-A-T. GRCh37 (hg19) VCF-style: chr15-27126023-A-T.
Other names: c.117A>T, p.Lys39Asn (NM_001165037.2); short protein forms K39N.
Identifiers: ClinVar variation 1803615 (VCV001803615.1), dbSNP rs2504193000, ClinGen allele CA391463546.
Genomic context (GRCh38, chr15:26,880,876, plus strand): 5'-AACGCTTCCTCTTGTTTCTCTTTTTAAAAGCTTTTCACAGATGCCAACCAGTTCAGTGAA[A>T]GATGAGACCAATGACAACATCACGATATTTACCAGGATCTTGGATGGGCTCTTGGATGGC-3'
Protein context (NP_000801.1, residues 29-49): GFSQMPTSSV[Lys39Asn]DETNDNITIF